The following is an entry in ClinVar:

ClinVar aggregate classification (germline): Uncertain significance (1 of 4 stars; one submission).

Submission:

Labcorp Genetics (formerly Invitae), Labcorp
Classification: Uncertain significance. Last evaluated: 2022-05-25. Review status: criteria provided, single submitter. Criteria: Invitae Variant Classification Sherloc (09022015). Collection method: clinical testing. Allele origin: germline.
Comment: This sequence change replaces asparagine, which is neutral and polar, with lysine, which is basic and polar, at codon 1090 of the SLC12A1 protein (p.Asn1090Lys). This variant is not present in population databases (gnomAD no frequency). This variant has not been reported in the literature in individuals affected with SLC12A1-related conditions. Algorithms developed to predict the effect of missense changes on protein structure and function are either unavailable or do not agree on the potential impact of this missense change (SIFT: "Deleterious"; PolyPhen-2: "Possibly Damaging"; Align-GVGD: "Class C0"). In summary, the available evidence is currently insufficient to determine the role of this variant in disease. Therefore, it has been classified as a Variant of Uncertain Significance.

NM_000338.3(SLC12A1):c.3270T>A (p.Asn1090Lys)

Gene: SLC12A1 (solute carrier family 12 member 1; plus strand). Cytogenetic location: 15q21.1.
Variant type: single nucleotide variant.
Coding change: c.3270T>A on transcript NM_000338.3 (MANE Select); coding-DNA position 3270, T replaced by A.
Protein change: p.Asn1090Lys; replaces asparagine 1090 with lysine.
Molecular consequence: missense variant.
Genome position (GRCh38, 1-based): chr15:48,302,855, T>A. VCF-style: chr15-48302855-T-A. GRCh37 (hg19) VCF-style: chr15-48595052-T-A.
Other names: c.3270T>A, p.Asn1090Lys (NM_001184832.2, NM_001384136.1); short protein forms N1090K.
Identifiers: ClinVar variation 1995577 (VCV001995577.4), dbSNP rs2505233561, ClinGen allele CA392322176.